The following is an entry in ClinVar:

ClinVar aggregate classification (germline): Likely benign. Review status: criteria provided, multiple submitters, no conflicts (2 of 4 stars). 2 submissions from 2 submitters: Likely benign (2). Last evaluated 2025-04-12.

Conditions:
EP300-related disorder. Also called: EP300-related disorders; EP300-related condition.

gnomAD v4.1: 17 of 1,613,786 alleles (0.0011%); highest among the groups gnomAD compares: South Asian, 0.0066%; 1 homozygote.

Submissions (2):

PreventionGenetics, part of Exact Sciences
Classification: Likely benign for EP300-related condition. Last evaluated: 2025-04-12. Review status: criteria provided, single submitter. Criteria: ACMG Guidelines, 2015. Collection method: clinical testing. Allele origin: germline.
Comment: This variant is classified as likely benign based on ACMG/AMP sequence variant interpretation guidelines (Richards et al. 2015 PMID: 25741868, with internal and published modifications).

Blueprint Genetics
Classification: Likely benign. Last evaluated: 2022-03-10. Review status: criteria provided, single submitter. Criteria: ACMG Guidelines, 2015. Collection method: clinical testing. Allele origin: germline.

NM_001429.4(EP300):c.1782G>A (p.Thr594=)

Gene: EP300 (EP300 lysine acetyltransferase; plus strand). Cytogenetic location: 22q13.2.
Variant type: single nucleotide variant.
Coding change: c.1782G>A on transcript NM_001429.4 (MANE Select); coding-DNA position 1782, G replaced by A.
Protein change: p.Thr594=; no amino-acid change (threonine 594 retained).
Molecular consequence: synonymous variant.
Genome position (GRCh38, 1-based): chr22:41,140,161, G>A. VCF-style: chr22-41140161-G-A. GRCh37 (hg19) VCF-style: chr22-41536165-G-A.
Other names: c.1782G>A, p.Thr594= (NM_001362843.2); c.1782G>A (NM_001429.3).
Identifiers: ClinVar variation 4948040 (VCV004948040.2).
Genomic context (GRCh38, chr22:41,140,161, plus strand): 5'-CTGACATGATATTACAGTGGTAGGATTTTCTTTTTCCAGCGTCCAAGCCATATTTCCTAC[G>A]CCGGATCCTGCTGCTTTAAAAGACAGACGGATGGAAAACCTAGTTGCATATGCTCGGAAA-3'
Protein context (NP_001420.2, residues 584-604): VHKLVQAIFP[Thr594=]PDPAALKDRR